The following is an entry in ClinVar:

NM_004656.4(BAP1):c.1032T>A (p.Asn344Lys)

Gene: BAP1 (BRCA1 associated deubiquitinase 1; minus strand). Cytogenetic location: 3p21.1.
Variant type: single nucleotide variant.
Coding change: c.1032T>A on transcript NM_004656.4 (MANE Select); coding-DNA position 1032, T replaced by A.
Protein change: p.Asn344Lys; replaces asparagine 344 with lysine.
Molecular consequence: missense variant.
Genome position (GRCh38, 1-based): chr3:52,405,194, A>T on the plus strand (T>A on the coding strand, the complement: BAP1 is on the minus strand). VCF-style: chr3-52405194-A-T. GRCh37 (hg19) VCF-style: chr3-52439210-A-T.
Other names: short protein forms N344K.
Identifiers: ClinVar variation 958674 (VCV000958674.7), dbSNP rs781024993, ClinGen allele CA353105854.

ClinVar aggregate classification (germline): Uncertain significance (1 of 4 stars; one submission).

Conditions:
BAP1-related tumor predisposition syndrome (TPDS1). Also called: COMMON Syndrome; Tumor susceptibility linked to germline BAP1 mutations; BAP1 tumor predisposition syndrome; TUMOR PREDISPOSITION SYNDROME 1. Identifiers: Orphanet 289539, MedGen C3280492, MONDO:0013692, OMIM 614327.

Submission:

Labcorp Genetics (formerly Invitae), Labcorp
Classification: Uncertain significance for BAP1-related tumor predisposition syndrome. Last evaluated: 2024-10-07. Review status: criteria provided, single submitter. Criteria: Invitae Variant Classification Sherloc (09022015). Collection method: clinical testing. Allele origin: germline.
Comment: This sequence change replaces asparagine, which is neutral and polar, with lysine, which is basic and polar, at codon 344 of the BAP1 protein (p.Asn344Lys). This variant is not present in population databases (gnomAD no frequency). This variant has not been reported in the literature in individuals affected with BAP1-related conditions. ClinVar contains an entry for this variant (Variation ID: 958674). Invitae Evidence Modeling of protein sequence and biophysical properties (such as structural, functional, and spatial information, amino acid conservation, physicochemical variation, residue mobility, and thermodynamic stability) indicates that this missense variant is not expected to disrupt BAP1 protein function with a negative predictive value of 80%. In summary, the available evidence is currently insufficient to determine the role of this variant in disease. Therefore, it has been classified as a Variant of Uncertain Significance.